The following is an entry in ClinVar:

ClinVar aggregate classification (germline): Uncertain significance (1 of 4 stars; one submission).

Submission:

Labcorp Genetics (formerly Invitae), Labcorp
Classification: Uncertain significance. Last evaluated: 2025-09-30. Review status: criteria provided, single submitter. Criteria: Invitae Variant Classification Sherloc (09022015). Collection method: clinical testing. Allele origin: germline.
Comment: This sequence change replaces proline, which is neutral and non-polar, with leucine, which is neutral and non-polar, at codon 3712 of the ZNF469 protein (p.Pro3712Leu). This variant is not present in population databases (gnomAD no frequency). This variant has not been reported in the literature in individuals affected with ZNF469-related conditions. An algorithm developed to predict the effect of missense changes on protein structure and function (PolyPhen-2) suggests that this variant is likely to be tolerated. In summary, the available evidence is currently insufficient to determine the role of this variant in disease. Therefore, it has been classified as a Variant of Uncertain Significance.

NM_001367624.2(ZNF469):c.11219C>T (p.Pro3740Leu)

Gene: ZNF469 (zinc finger protein 469; plus strand). Cytogenetic location: 16q24.2.
Variant type: single nucleotide variant.
Coding change: c.11219C>T on transcript NM_001367624.2 (MANE Select); coding-DNA position 11219, C replaced by T.
Protein change: p.Pro3740Leu; replaces proline 3740 with leucine.
Molecular consequence: missense variant.
Genome position (GRCh38, 1-based): chr16:88,438,689, C>T. VCF-style: chr16-88438689-C-T. GRCh37 (hg19) VCF-style: chr16-88505097-C-T.
Other names: short protein forms P3740L.
Identifiers: ClinVar variation 4775250 (VCV004775250.1).